The following is an entry in ClinVar:

NM_203447.4(DOCK8):c.2785G>A (p.Asp929Asn)

Gene: DOCK8 (dedicator of cytokinesis 8; plus strand). Cytogenetic location: 9p24.3.
Variant type: single nucleotide variant.
Coding change: c.2785G>A on transcript NM_203447.4 (MANE Select); coding-DNA position 2785, G replaced by A.
Protein change: p.Asp929Asn; replaces aspartic acid 929 with asparagine.
Molecular consequence: missense variant. On other transcripts: intron variant (1).
Genome position (GRCh38, 1-based): chr9:386,337, G>A. VCF-style: chr9-386337-G-A. GRCh37 (hg19) VCF-style: chr9-386337-G-A.
Other names: c.2581G>A, p.Asp861Asn (NM_001193536.2); c.2574+3652G>A (NM_001190458.2); short protein forms D929N, D861N.
Identifiers: ClinVar variation 1345811 (VCV001345811.4), dbSNP rs751395001, ClinGen allele CA4958355.

ClinVar aggregate classification (germline): Uncertain significance (1 of 4 stars; one submission).

Conditions:
Combined immunodeficiency due to DOCK8 deficiency (HIES2). Also called: HIES autosomal recessive; Hyper-IgE recurrent infection syndrome, autosomal recessive; HYPER-IgE SYNDROME 2, AUTOSOMAL RECESSIVE, WITH RECURRENT INFECTIONS; DOCK8 Deficiency; HYPER-IgE RECURRENT INFECTION SYNDROME 2, AUTOSOMAL RECESSIVE. Identifiers: Orphanet 217390, MedGen C4722305, MONDO:0009478, OMIM 243700.

Allele frequency attached by ClinVar (database versions not stated): ExAC 0.00002.
gnomAD v4.1: 30 of 1,613,368 alleles (0.0019%); highest among the groups gnomAD compares: South Asian, 0.0033%; 1 homozygote.

Submission:

Labcorp Genetics (formerly Invitae), Labcorp
Classification: Uncertain significance for Combined immunodeficiency due to DOCK8 deficiency. Last evaluated: 2025-10-15. Review status: criteria provided, single submitter. Criteria: Invitae Variant Classification Sherloc (09022015). Collection method: clinical testing. Allele origin: germline.
Comment: This sequence change replaces aspartic acid, which is acidic and polar, with asparagine, which is neutral and polar, at codon 929 of the DOCK8 protein (p.Asp929Asn). This variant is present in population databases (rs751395001, gnomAD 0.006%). This variant has not been reported in the literature in individuals affected with DOCK8-related conditions. ClinVar contains an entry for this variant (Variation ID: 1345811). An algorithm developed to predict the effect of missense changes on protein structure and function (PolyPhen-2) suggests that this variant is likely to be tolerated. In summary, the available evidence is currently insufficient to determine the role of this variant in disease. Therefore, it has been classified as a Variant of Uncertain Significance.